The following is an entry in ClinVar:

NM_001164665.2(KIAA1549):c.4256C>T (p.Thr1419Met)

Gene: KIAA1549 (KIAA1549; minus strand). Cytogenetic location: 7q34.
Variant type: single nucleotide variant.
Coding change: c.4256C>T on transcript NM_001164665.2 (MANE Select); coding-DNA position 4256, C replaced by T.
Protein change: p.Thr1419Met; replaces threonine 1419 with methionine.
Molecular consequence: missense variant.
Genome position (GRCh38, 1-based): chr7:138,879,627, G>A on the plus strand (C>T on the coding strand, the complement: KIAA1549 is on the minus strand). VCF-style: chr7-138879627-G-A. GRCh37 (hg19) VCF-style: chr7-138564373-G-A.
Other names: c.4256C>T, p.Thr1419Met (NM_020910.3); short protein forms T1419M.
Identifiers: ClinVar variation 1514776 (VCV001514776.6), dbSNP rs371532655, ClinGen allele CA4505959.

ClinVar aggregate classification (germline): Uncertain significance. Review status: criteria provided, multiple submitters, no conflicts (2 of 4 stars). 2 submissions from 2 submitters: Uncertain significance (2). Last evaluated 2022-10-12.

Allele frequency attached by ClinVar (database versions not stated): gnomAD 0.00003 and 0.00004; ExAC 0.00013; ESP Exome Variant Server 0.00017.
gnomAD v4.1: 40 of 1,555,682 alleles (0.0026%); highest among the groups gnomAD compares: East Asian, 0.0048%; no homozygotes.

Submissions (2):

Blueprint Genetics
Classification: Uncertain significance. Last evaluated: 2022-10-12. Review status: criteria provided, single submitter. Criteria: ACMG Guidelines, 2015. Collection method: clinical testing. Allele origin: germline.

Labcorp Genetics (formerly Invitae), Labcorp
Classification: Uncertain significance. Last evaluated: 2022-07-06. Review status: criteria provided, single submitter. Criteria: Invitae Variant Classification Sherloc (09022015). Collection method: clinical testing. Allele origin: germline.
Comment: This sequence change replaces threonine, which is neutral and polar, with methionine, which is neutral and non-polar, at codon 1419 of the KIAA1549 protein (p.Thr1419Met). The frequency data for this variant in the population databases is considered unreliable, as metrics indicate poor data quality at this position in the gnomAD database. This variant has not been reported in the literature in individuals affected with KIAA1549-related conditions. ClinVar contains an entry for this variant (Variation ID: 1514776). Algorithms developed to predict the effect of missense changes on protein structure and function are either unavailable or do not agree on the potential impact of this missense change (SIFT: "Deleterious"; PolyPhen-2: "Probably Damaging"; Align-GVGD: "Class C0"). In summary, the available evidence is currently insufficient to determine the role of this variant in disease. Therefore, it has been classified as a Variant of Uncertain Significance.